The following is an entry in ClinVar:

ClinVar aggregate classification (germline): Uncertain significance (1 of 4 stars; one submission).

Conditions:
Primary ciliary dyskinesia. Also called: Ciliary dyskinesia. Identifiers: Orphanet 244, MedGen C0008780, MONDO:0016575, HP:0012265.

Allele frequency attached by ClinVar (database versions not stated): gnomAD 0.00003; TOPMed 0.00003.

Submission:

Labcorp Genetics (formerly Invitae), Labcorp
Classification: Uncertain significance for Primary ciliary dyskinesia. Last evaluated: 2023-11-02. Review status: criteria provided, single submitter. Criteria: Invitae Variant Classification Sherloc (09022015). Collection method: clinical testing. Allele origin: germline.
Comment: This sequence change replaces arginine, which is basic and polar, with tryptophan, which is neutral and slightly polar, at codon 231 of the ZMYND10 protein (p.Arg231Trp). This variant is present in population databases (rs762889922, gnomAD 0.006%). This variant has not been reported in the literature in individuals affected with ZMYND10-related conditions. ClinVar contains an entry for this variant (Variation ID: 2142179). Advanced modeling of protein sequence and biophysical properties (such as structural, functional, and spatial information, amino acid conservation, physicochemical variation, residue mobility, and thermodynamic stability) performed at Invitae indicates that this missense variant is not expected to disrupt ZMYND10 protein function with a negative predictive value of 80%. Algorithms developed to predict the effect of sequence changes on RNA splicing suggest that this variant may disrupt the consensus splice site. In summary, the available evidence is currently insufficient to determine the role of this variant in disease. Therefore, it has been classified as a Variant of Uncertain Significance.

NM_015896.4(ZMYND10):c.691C>T (p.Arg231Trp)

Gene: ZMYND10 (zinc finger MYND-type containing 10; minus strand). Cytogenetic location: 3p21.31.
Variant type: single nucleotide variant.
Coding change: c.691C>T on transcript NM_015896.4 (MANE Select); coding-DNA position 691, C replaced by T.
Protein change: p.Arg231Trp; replaces arginine 231 with tryptophan.
Molecular consequence: missense variant. On other transcripts: intron variant (1).
Genome position (GRCh38, 1-based): chr3:50,342,927, G>A on the plus strand (C>T on the coding strand, the complement: ZMYND10 is on the minus strand). VCF-style: chr3-50342927-G-A. GRCh37 (hg19) VCF-style: chr3-50380358-G-A.
Other names: c.599+191C>T (NM_001308379.2); short protein forms R231W.
Identifiers: ClinVar variation 2142179 (VCV002142179.2), dbSNP rs762889922, ClinGen allele CA2417130.